The following is an entry in ClinVar:

NM_000639.3(FASLG):c.109C>G (p.Pro37Ala)

Gene: FASLG (Fas ligand; plus strand). Cytogenetic location: 1q24.3.
Variant type: single nucleotide variant.
Coding change: c.109C>G on transcript NM_000639.3 (MANE Select); coding-DNA position 109, C replaced by G.
Protein change: p.Pro37Ala; replaces proline 37 with alanine.
Molecular consequence: missense variant.
Genome position (GRCh38, 1-based): chr1:172,659,310, C>G. VCF-style: chr1-172659310-C-G. GRCh37 (hg19) VCF-style: chr1-172628450-C-G.
Other names: c.109C>G, p.Pro37Ala (NM_001302746.2); c.109C>G (NM_000639.1); short protein forms P37A.
Identifiers: ClinVar variation 532227 (VCV000532227.4), dbSNP rs145731782, ClinGen allele CA1247437.

ClinVar aggregate classification (germline): Uncertain significance. Review status: criteria provided, multiple submitters, no conflicts (2 of 4 stars). 2 submissions from 2 submitters: Uncertain significance (2). Last evaluated 2025-05-04.

Conditions:
Autoimmune lymphoproliferative syndrome type 1. Also called: AUTOIMMUNE LYMPHOPROLIFERATIVE SYNDROME, TYPE I, AUTOSOMAL DOMINANT. Identifiers: Orphanet 3261, MedGen C2717884, MONDO:0011158, OMIM 601859.

Allele frequency attached by ClinVar (database versions not stated): gnomAD 0.00004; ExAC 0.00006; ESP Exome Variant Server 0.00015; gnomAD exomes 0.00004; TOPMed 0.00004.
gnomAD v4.1: 39 of 1,613,936 alleles (0.0024%); highest among the groups gnomAD compares: Middle Eastern, 0.017%; no homozygotes.

Submissions (2):

Ambry Genetics
Classification: Uncertain significance. Last evaluated: 2025-05-04. Review status: criteria provided, single submitter. Criteria: Ambry Variant Classification Scheme 2023. Collection method: clinical testing. Allele origin: germline.

Labcorp Genetics (formerly Invitae), Labcorp
Classification: Uncertain significance for Autoimmune lymphoproliferative syndrome. Last evaluated: 2021-08-28. Review status: criteria provided, single submitter. Criteria: Invitae Variant Classification Sherloc (09022015). Collection method: clinical testing. Allele origin: germline.
Comment: This sequence change replaces proline with alanine at codon 37 of the FASLG protein (p.Pro37Ala). The proline residue is highly conserved and there is a small physicochemical difference between proline and alanine. This variant is present in population databases (rs145731782, ExAC 0.01%). This variant has not been reported in the literature in individuals affected with FASLG-related conditions. Algorithms developed to predict the effect of missense changes on protein structure and function (SIFT, PolyPhen-2, Align-GVGD) all suggest that this variant is likely to be disruptive. In summary, the available evidence is currently insufficient to determine the role of this variant in disease. Therefore, it has been classified as a Variant of Uncertain Significance.